The following is an entry in ClinVar:

NM_000157.4(GBA1):c.508C>T (p.Arg170Cys)

Genes: GBA1 (glucosylceramidase beta 1; minus strand), LOC106627981 (GBA recombination region; plus strand). Cytogenetic location: 1q22.
Variant type: single nucleotide variant.
Coding change: c.508C>T on transcript NM_000157.4 (MANE Select); coding-DNA position 508, C replaced by T.
Protein change: p.Arg170Cys; replaces arginine 170 with cysteine.
Molecular consequence: missense variant.
Genome position (GRCh38, 1-based): chr1:155,238,597, G>A on the plus strand (C>T on the coding strand, the complement: GBA1 is on the minus strand). VCF-style: chr1-155238597-G-A. GRCh37 (hg19) VCF-style: chr1-155208388-G-A.
Other names: c.508C>T, p.Arg170Cys (NM_001005741.3, NM_001005742.3); c.247C>T, p.Arg83Cys (NM_001171811.2); c.361C>T, p.Arg121Cys (NM_001171812.2); c.508C>T (NM_000157.3); short protein forms R170C, R121C, R83C.
Identifiers: ClinVar variation 93453 (VCV000093453.35), dbSNP rs398123530, ClinGen allele CA221401.
Genomic context (GRCh38, chr1:155,238,597, plus strand): 5'-CTGGGAGGCTGAAGTTGTGCAACTGGAAATCATCAGGGGTGTCTGCATAGGTGTAGGTGC[G>A]GATGGAGAAGTCACAGCTGGCCATGGGTACCCGGATGATGTTATATCCGATTCCTACAGA-3'
Protein context (NP_000148.2, residues 160-180): VPMASCDFSI[Arg170Cys]TYTYADTPDD

ClinVar aggregate classification (germline): Pathogenic. Review status: criteria provided, multiple submitters, no conflicts (2 of 4 stars). 7 submissions from 7 submitters: Pathogenic (7). Last evaluated 2026-02-05.

Conditions:
Gaucher disease type I (GD1). Also called: Type 1 Gaucher Disease; GD 1; GLUCOCEREBROSIDASE DEFICIENCY; ACID BETA-GLUCOSIDASE DEFICIENCY; GAUCHER DISEASE, NONCEREBRAL JUVENILE; GBA DEFICIENCY. Identifiers: Orphanet 355, Orphanet 77259, MedGen C1961835, MONDO:0009265, OMIM 230800.
Gaucher disease type II (GD2). Also called: Type 2 Gaucher disease (Acute; Infantile); GAUCHER DISEASE, ACUTE NEURONOPATHIC TYPE; GD II; Acute neuronopathic Gaucher's disease. Identifiers: Orphanet 77260, MedGen C0268250, MONDO:0009266, OMIM 230900.
Gaucher disease type III. Also called: Type 3 Gaucher disease (Subacute; Juvenile); Gaucher Disease, Type 3; GAUCHER DISEASE, CHRONIC NEURONOPATHIC TYPE; GAUCHER DISEASE, JUVENILE AND ADULT, CEREBRAL; GAUCHER DISEASE, SUBACUTE NEURONOPATHIC TYPE; GD III. Identifiers: Orphanet 355, Orphanet 77261, MedGen C0268251, MONDO:0009267, OMIM 231000.
Gaucher disease-ophthalmoplegia-cardiovascular calcification syndrome. Also called: GAUCHER DISEASE, TYPE IIIC. Identifiers: Orphanet 2072, MedGen C1856476, MONDO:0009268, OMIM 231005.
Gaucher disease. Also called: Acute cerebral Gaucher disease; Cerebroside lipidosis syndrome; Gaucher splenomegaly; Sphingolipidosis 1; Glucocerebrosidosis; Glucosylceramidase deficiency. Identifiers: Orphanet 355, MedGen C0017205, MONDO:0018150.

Allele frequency attached by ClinVar (database versions not stated): gnomAD exomes 0.00002 and below 0.00001.

Submissions (7):

Foundation for Research in Genetics and Endocrinology, FRIGE's Institute of Human Genetics
Classification: Pathogenic for Gaucher disease type II. Last evaluated: 2026-02-05. Review status: criteria provided, single submitter. Criteria: ACMG Guidelines, 2015. Collection method: clinical testing. Allele origin: germline. Inheritance: Autosomal recessive inheritance. Affected: yes. Observed: 1 variant allele, 1 compound heterozygote.
Comment: A heterozygous missense variant in exon 5 of the GBA1 gene that results in the amino acid substitution of Cystine for Arginine at codon 170 was detected. The observed variant c.508C>T has not been reported in the 1000 genomes and has a minor allele frequency of 0.0004% in the gnomAD databases. The in-silico prediction of the variant is deleterious by MutationTaster2, FATHMM, DANN. In summary, the variant meets our criteria to be classified as pathogenic.

Natera, Inc.
Classification: Pathogenic for Gaucher disease. Last evaluated: 2025-12-09. Review status: criteria provided, single submitter. Criteria: Natera Variant Classification Schema (03/2026). Collection method: clinical testing. Allele origin: germline.
Comment: The c.508C>T variant in GBA1 is a missense variant predicted to cause substitution of arginine to cysteine at amino acid 170. This variant is rare in the general population with a frequency below the threshold expected for the associated phenotype(s). This variant has been observed in one or more individuals affected with the associated recessive disease, as either homozygous or compound heterozygous with a second variant (PMID: 17427031, 34073924). Computational prediction algorithms indicate this variant is likely to affect gene or protein function. Given the available evidence, this variant is classified as Pathogenic.

CeGaT Center for Human Genetics Tuebingen
Classification: Pathogenic. Last evaluated: 2025-06-01. Review status: criteria provided, single submitter. Criteria: CeGaT Center For Human Genetics Tuebingen Variant Classification Criteria Version 2. Collection method: clinical testing. Allele origin: germline. Affected: yes. Observed: 2 variant alleles.
Comment: GBA1: PM3:Very Strong, PM2, PM5

Women's Health and Genetics/Laboratory Corporation of America, LabCorp
Classification: Pathogenic for Gaucher disease. Last evaluated: 2023-04-26. Review status: criteria provided, single submitter. Criteria: LabCorp Variant Classification Summary - May 2015. Collection method: clinical testing. Allele origin: germline.
Comment: Variant summary: GBA c.508C>T (p.Arg170Cys) results in a non-conservative amino acid change located in the Glycosyl hydrolase family 30, TIM-barrel domain (IPR033453) of the encoded protein sequence. Five of five in-silico tools predict a damaging effect of the variant on protein function. The variant allele was found at a frequency of 4e-06 in 251172 control chromosomes. c.508C>T has been reported in the literature as homozygous or compound heterozygous genotypes in multiple individuals affected with Gaucher Disease (example, Miano_2020, Costa_2020, D'Amore_2021, Filocamo_2002, Schuler_2016). These data indicate that the variant is very likely to be associated with disease. No direct experimental evidence demonstrating an impact on protein function has been ascertained in the context of this evaluation although at-least one study reports non-primary evidence supporting a diagnosis of Gaucher Disease by enzyme analysis in a preterm infant homozygous for this variant (Schuler_2016). The following publications have been ascertained in the context of this evaluation (PMID: 31816052, 34649574, 12204005, 32702516, 27922757). One clinical diagnostic laboratory has submitted clinical-significance assessments for this variant to ClinVar after 2014 and classified the variant as pathogenic. Based on the evidence outlined above, the variant was classified as pathogenic.

Broad Center for Mendelian Genomics, Broad Institute of MIT and Harvard
Classification: Pathogenic for Gaucher disease. Last evaluated: 2020-01-14. Review status: criteria provided, single submitter. Criteria: ACMG Guidelines, 2015. Collection method: curation. Allele origin: germline. Inheritance: Autosomal recessive inheritance.
Comment: The p.Arg170Cys variant in GBA has been reported in at least 10 individuals with Gaucher disease (PMID: 29602947, 23430543, 27008851, 17427031, 20946052, 27922757, 22623374, 20880730) and has been identified in 0.005% (1/21648) of European (Finnish) chromosomes by the Genome Aggregation Database (gnomAD; dbSNP rs398123530). Although this variant has been seen in the general population, its frequency is low enough to be consistent with a recessive carrier frequency. This variant has also been reported in ClinVar as pathogenic by EGL Genetic Diagnostics (VariationID: 93453). Computational prediction tools and conservation analyses suggest that this variant may impact the protein, though this information is not predictive enough to determine pathogenicity. The phenotype of 2 individuals homozygous or compound heterozygous for this variant is highly specific for Gaucher disease based on null or very low beta-glucosidase activity levels consistent with disease (PMID: 22623374, 29602947). The presence of this variant in 3 affected homozygotes and in combination with reported pathogenic variants in 6 individuals with Gaucher disease increases the likelihood that the p.Arg170Cys variant is pathogenic (VariationID: 65570, 4290, 4297, 4288; PMID: 29602947, 23430543, 27008851, 17427031, 20946052, 27922757, 22623374). In summary, this variant meets criteria to be classified as pathogenic for Gaucher disease in an autosomal recessive manner based on the presence of the variant in affected homozygotes and compound heterozygotes with pathogenic variants, the low frequency of the variant in the general population, and the phenotype of patients with the variant being highly specific for the gene. ACMG/AMP Criteria applied: PM3_very-strong, PM2, PP3, PP4 (Richards 2015).

Eurofins Ntd Llc (ga)
Classification: Pathogenic. Last evaluated: 2013-10-16. Review status: criteria provided, single submitter. Criteria: EGL Classification Definitions. Collection method: clinical testing. Allele origin: germline. Observed: 1 variant allele, 1 heterozygote.

Baylor Genetics
Classification: Pathogenic for Gaucher disease type I; Gaucher disease type II; Gaucher disease type III; Gaucher disease-ophthalmoplegia-cardiovascular calcification syndrome. Review status: criteria provided, single submitter. Criteria: ACMG Guidelines, 2015. Collection method: clinical testing. Allele origin: germline.

Literature cited by the submitters: PubMed 17427031 (cited by Natera, Inc. and Broad Center for Mendelian Genomics, Broad Institute of MIT and Harvard); PubMed 34073924 (cited by Natera, Inc.); PubMed 12204005 (cited by Women's Health and Genetics/Laboratory Corporation of America, LabCorp); PubMed 34649574 (cited by Women's Health and Genetics/Laboratory Corporation of America, LabCorp); PubMed 31816052 (cited by Women's Health and Genetics/Laboratory Corporation of America, LabCorp); PubMed 32702516 (cited by Women's Health and Genetics/Laboratory Corporation of America, LabCorp); PubMed 27922757 (cited by Women's Health and Genetics/Laboratory Corporation of America, LabCorp and Broad Center for Mendelian Genomics, Broad Institute of MIT and Harvard); PubMed 29602947 (cited by Broad Center for Mendelian Genomics, Broad Institute of MIT and Harvard); PubMed 23430543 (cited by Broad Center for Mendelian Genomics, Broad Institute of MIT and Harvard); PubMed 20946052 (cited by Broad Center for Mendelian Genomics, Broad Institute of MIT and Harvard); PubMed 20880730 (cited by Broad Center for Mendelian Genomics, Broad Institute of MIT and Harvard); PubMed 27008851 (cited by Broad Center for Mendelian Genomics, Broad Institute of MIT and Harvard); PubMed 22623374 (cited by Broad Center for Mendelian Genomics, Broad Institute of MIT and Harvard).